The following is an entry in ClinVar:

ClinVar aggregate classification (germline): Likely benign. Review status: criteria provided, single submitter (1 of 4 stars). 2 submissions from 2 submitters: Likely benign (1). 1 of the submissions does not count toward it. Last evaluated 2023-02-01.

Conditions:
SPTBN5-related disorder. Also called: SPTBN5-related condition.

Allele frequency attached by ClinVar (database versions not stated): TOPMed below 0.00001; gnomAD 0.00001; gnomAD exomes 0.00001.
gnomAD v4.1: 19 of 1,549,200 alleles (0.0012%); highest among the groups gnomAD compares: Non-Finnish European, 0.0017%; no homozygotes.

Submissions (2):

CeGaT Center for Human Genetics Tuebingen
Classification: Likely benign. Last evaluated: 2023-02-01. Review status: criteria provided, single submitter. Criteria: CeGaT Center For Human Genetics Tuebingen Variant Classification Criteria Version 2. Collection method: clinical testing. Allele origin: germline. Affected: yes. Observed: 1 variant allele.
Comment: SPTBN5: BP4, BP7

PreventionGenetics, part of Exact Sciences
Classification: Likely benign for SPTBN5-related condition. Last evaluated: 2019-06-13. Review status: no assertion criteria provided. Collection method: clinical testing. Allele origin: germline. Not counted in ClinVar's aggregate classification.
Comment: This variant is classified as likely benign based on ACMG/AMP sequence variant interpretation guidelines (Richards et al. 2015 PMID: 25741868, with internal and published modifications).

NM_016642.4(SPTBN5):c.6372T>G (p.Leu2124=)

Gene: SPTBN5 (spectrin beta, non-erythrocytic 5; minus strand). Cytogenetic location: 15q15.1.
Variant type: single nucleotide variant.
Coding change: c.6372T>G on transcript NM_016642.4 (MANE Select); coding-DNA position 6372, T replaced by G.
Protein change: p.Leu2124=; no amino-acid change (leucine 2124 retained).
Molecular consequence: synonymous variant.
Genome position (GRCh38, 1-based): chr15:41,867,067, A>C on the plus strand (T>G on the coding strand, the complement: SPTBN5 is on the minus strand). VCF-style: chr15-41867067-A-C. GRCh37 (hg19) VCF-style: chr15-42159265-A-C.
Other names: c.6372T>G (NM_016642.3).
Identifiers: ClinVar variation 2645218 (VCV002645218.25), dbSNP rs777507210, ClinGen allele CA7502622.